The following is an entry in ClinVar:

ClinVar aggregate classification (germline): Pathogenic (1 of 4 stars; one submission).

Submission:

CeGaT Center for Human Genetics Tuebingen
Classification: Pathogenic. Last evaluated: 2026-09-01. Review status: criteria provided, single submitter. Criteria: CeGaT Center For Human Genetics Tuebingen Variant Classification Criteria Version 2. Collection method: clinical testing. Allele origin: germline. Affected: yes. Observed: 1 variant allele.
Comment: DYSF: PVS1, PM2

NM_001130987.2(DYSF):c.231del (p.Arg78fs)

Gene: DYSF (dysferlin; plus strand). Cytogenetic location: 2p13.2.
Variant type: Deletion.
Coding change: c.231del on transcript NM_001130987.2 (MANE Select); coding-DNA position 231, one base deleted (G; older notation c.231delG).
Protein change: p.Arg78fs; shifts the reading frame from arginine 78.
Molecular consequence: frameshift variant.
Genome position (GRCh38, 1-based): chr2:71,481,962, G deleted; the last of 4 consecutive G bases (chr2:71,481,959-71,481,962); deleting any one gives the same sequence. VCF-style (leftmost placement, unchanged base first): chr2-71481958-TG-T. GRCh37 (hg19) VCF-style: chr2-71709088-TG-T.
Other names: c.231del, p.Arg78fs (NM_001130455.2, NM_001130982.2, NM_001130983.2 and 3 more transcripts); c.228del, p.Arg77fs (NM_001130976.2, NM_001130977.2, NM_001130978.2 and 4 more transcripts); short protein forms R77fs, R78fs.
Identifiers: ClinVar variation 5041850 (VCV005041850.1).
Genomic context (GRCh38, chr2:71,481,958, plus strand): 5'-AGGGCATCCCCCTGGACCAGGGCTCTGAGCTTCATGTGGTGGTCAAAGACCATGAGACGA[TG>T]GGGAGGAACAGGTAAGGTGGCCAGAGGGGGGTGCTCCATGGCTTGAAGGTGCAGGTAGGA-3'